The following is an entry in ClinVar:

ClinVar aggregate classification (germline): Uncertain significance (1 of 4 stars; one submission).

Conditions:
Tay-Sachs disease (TSD). Also called: HEXA DEFICIENCY; GM2 gangliosidosis, type 1; Hexosaminidase alpha-subunit deficiency (variant B); Sphingolipidosis, Tay-Sachs; Hexosaminidase A Deficiency; HEXA Disorders. Identifiers: Orphanet 845, MedGen C0039373, MONDO:0010100, OMIM 272800.

Allele frequency attached by ClinVar (database versions not stated): gnomAD exomes 0.00001 and below 0.00001; ExAC 0.00001.

Submission:

Labcorp Genetics (formerly Invitae), Labcorp
Classification: Uncertain significance for Tay-Sachs disease. Last evaluated: 2022-07-12. Review status: criteria provided, single submitter. Criteria: Invitae Variant Classification Sherloc (09022015). Collection method: clinical testing. Allele origin: germline.
Comment: This sequence change replaces methionine, which is neutral and non-polar, with valine, which is neutral and non-polar, at codon 193 of the HEXA protein (p.Met193Val). This variant is present in population databases (rs748427632, gnomAD 0.0009%). This variant has not been reported in the literature in individuals affected with HEXA-related conditions. ClinVar contains an entry for this variant (Variation ID: 1380911). Algorithms developed to predict the effect of missense changes on protein structure and function are either unavailable or do not agree on the potential impact of this missense change (SIFT: "Deleterious"; PolyPhen-2: "Probably Damaging"; Align-GVGD: "Class C15"). In summary, the available evidence is currently insufficient to determine the role of this variant in disease. Therefore, it has been classified as a Variant of Uncertain Significance.

NM_000520.6(HEXA):c.577A>G (p.Met193Val)

Gene: HEXA (hexosaminidase subunit alpha; minus strand). Cytogenetic location: 15q23.
Variant type: single nucleotide variant.
Coding change: c.577A>G on transcript NM_000520.6 (MANE Select); coding-DNA position 577, A replaced by G.
Protein change: p.Met193Val; replaces methionine 193 with valine.
Molecular consequence: missense variant. On other transcripts: non-coding transcript variant (1).
Genome position (GRCh38, 1-based): chr15:72,351,228, T>C on the plus strand (A>G on the coding strand, the complement: HEXA is on the minus strand). VCF-style: chr15-72351228-T-C. GRCh37 (hg19) VCF-style: chr15-72643569-T-C.
Other names: c.610A>G, p.Met204Val (NM_001318825.2); short protein forms M204V, M193V.
Identifiers: ClinVar variation 1380911 (VCV001380911.3), dbSNP rs748427632, ClinGen allele CA7644952.